The following is an entry in ClinVar:

NM_005431.2(XRCC2):c.509A>C (p.Glu170Ala)

Gene: XRCC2 (X-ray repair cross complementing 2; minus strand). Cytogenetic location: 7q36.1.
Variant type: single nucleotide variant.
Coding change: c.509A>C on transcript NM_005431.2 (MANE Select); coding-DNA position 509, A replaced by C.
Protein change: p.Glu170Ala; replaces glutamic acid 170 with alanine.
Molecular consequence: missense variant.
Genome position (GRCh38, 1-based): chr7:152,648,976, T>G on the plus strand (A>C on the coding strand, the complement: XRCC2 is on the minus strand). VCF-style: chr7-152648976-T-G. GRCh37 (hg19) VCF-style: chr7-152346061-T-G.
Other names: short protein forms E170A.
Identifiers: ClinVar variation 409967 (VCV000409967.17), dbSNP rs778143946, ClinGen allele CA4582336.

ClinVar aggregate classification (germline): Uncertain significance. Review status: criteria provided, multiple submitters, no conflicts (2 of 4 stars). 5 submissions from 5 submitters: Uncertain significance (4). 1 of the submissions does not count toward it. Last evaluated 2024-09-17.

Conditions:
Hereditary cancer-predisposing syndrome. Also called: Tumor predisposition; Hereditary Cancer Syndrome; Hereditary neoplastic syndrome; Neoplastic Syndromes, Hereditary. Identifiers: Orphanet 140162, MedGen C0027672, MeSH D009386, MONDO:0015356.

Allele frequency attached by ClinVar (database versions not stated): TOPMed 0.00001; ExAC 0.00003; gnomAD 0.00003 and 0.00006; gnomAD exomes 0.00003.
gnomAD v4.1: 56 of 1,614,092 alleles (0.0035%); highest among the groups gnomAD compares: Admixed American, 0.013%; no homozygotes.

Submissions (5):

Quest Diagnostics Nichols Institute San Juan Capistrano
Classification: Uncertain significance. Last evaluated: 2024-09-17. Review status: criteria provided, single submitter. Criteria: Quest Diagnostics criteria. Collection method: clinical testing. Allele origin: unknown.
Comment: The XRCC2 c.509A>C (p.Glu170Ala) variant has been reported in the published literature in individuals with breast cancer (PMIDs: 23054243 (2012) and 28779002 (2017)). In a large scale breast cancer association study, this variant has been observed in 3 breast cancer cases and 2 reportedly healthy individuals (PMID: 33471991 (2021), see also LOVD). A functional study demonstrated that this variant does not alter the protein function (PMID: 27233470 (2016)). The frequency of this variant in the general population, 0.000087 (3/34590 chromosomes (Genome Aggregation Database)), is uninformative in the assessment of its pathogenicity. Analysis of this variant using bioinformatics tools for the prediction of the effect of amino acid changes on protein structure and function yielded predictions that this variant is damaging. Based on the available information, we are unable to determine the clinical significance of this variant.

Labcorp Genetics (formerly Invitae), Labcorp
Classification: Uncertain significance. Last evaluated: 2024-08-31. Review status: criteria provided, single submitter. Criteria: Invitae Variant Classification Sherloc (09022015). Collection method: clinical testing. Allele origin: germline.
Comment: This sequence change replaces glutamic acid, which is acidic and polar, with alanine, which is neutral and non-polar, at codon 170 of the XRCC2 protein (p.Glu170Ala). This variant is present in population databases (rs778143946, gnomAD 0.009%). This missense change has been observed in individual(s) with breast cancer (PMID: 23054243). ClinVar contains an entry for this variant (Variation ID: 409967). Invitae Evidence Modeling of protein sequence and biophysical properties (such as structural, functional, and spatial information, amino acid conservation, physicochemical variation, residue mobility, and thermodynamic stability) indicates that this missense variant is expected to disrupt XRCC2 protein function with a positive predictive value of 80%. Experimental studies have shown that this missense change does not substantially affect XRCC2 function (PMID: 27233470). In summary, the available evidence is currently insufficient to determine the role of this variant in disease. Therefore, it has been classified as a Variant of Uncertain Significance.

Ambry Genetics
Classification: Uncertain significance for Hereditary cancer-predisposing syndrome. Last evaluated: 2024-05-23. Review status: criteria provided, single submitter. Criteria: Ambry Variant Classification Scheme 2023. Collection method: clinical testing. Allele origin: germline.
Comment: The p.E170A variant (also known as c.509A>C), located in coding exon 3 of the XRCC2 gene, results from an A to C substitution at nucleotide position 509. The glutamic acid at codon 170 is replaced by alanine, an amino acid with dissimilar properties. In one study, this alteration was reported in 1/3548 non-BRCA1/2 familial breast cancer cases and 2/1435 healthy controls (Hilbers FS et al. J. Med. Genet., 2012 Oct;49:618-20). This alteration has also been reported in at least one subject in a study of 13087 breast cancer cases and 5488 control individuals in the UK (Decker B et al. J. Med. Genet., 2017 11;54:732-741). A cDNA complementation assay showed that the DNA repair efficiency of this alteration is similar to wild type (Hilbers FS et al. Hum. Mutat., 2016 09;37:914-25). This amino acid position is highly conserved in available vertebrate species. In addition, the in silico prediction for this alteration is inconclusive. Based on the available evidence, the clinical significance of this variant remains unclear.

Mendelics
Classification: Uncertain significance for Hereditary Cancer Syndrome. Last evaluated: 2018-07-02. Review status: criteria provided, single submitter. Criteria: Mendelics Assertion Criteria 2017. Collection method: clinical testing. Allele origin: unknown.

Leiden Open Variation Database
Classification: Uncertain significance. Last evaluated: 2016-04-14. Review status: no assertion criteria provided. Collection method: curation. Allele origin: germline. Affected: yes. Not counted in ClinVar's aggregate classification.
Comment: Curator: Arleen D. Auerbach. Submitter to LOVD: Florentine Hilbers.

Literature cited by the submitters: PubMed 28779002 (cited by Quest Diagnostics Nichols Institute San Juan Capistrano and Ambry Genetics); PubMed 27233470 (cited by 3 submitters); PubMed 23054243 (cited by 4 submitters); PubMed 33471991 (cited by Quest Diagnostics Nichols Institute San Juan Capistrano).